The following is an entry in ClinVar:

ClinVar aggregate classification (germline): Likely pathogenic (1 of 4 stars; one submission).

Conditions:
Primary ciliary dyskinesia. Also called: Ciliary dyskinesia. Identifiers: Orphanet 244, MedGen C0008780, MONDO:0016575, HP:0012265.

Allele frequency attached by ClinVar (database versions not stated): ExAC 0.00001; gnomAD exomes 0.00001.
gnomAD v4.1: 7 of 1,610,406 alleles (0.00043%); highest among the groups gnomAD compares: South Asian, 0.0066%; no homozygotes.

Submission:

Labcorp Genetics (formerly Invitae), Labcorp
Classification: Likely pathogenic for Primary ciliary dyskinesia. Last evaluated: 2022-07-23. Review status: criteria provided, single submitter. Criteria: Invitae Variant Classification Sherloc (09022015). Collection method: clinical testing. Allele origin: germline.
Comment: In summary, the currently available evidence indicates that the variant is pathogenic, but additional data are needed to prove that conclusively. Therefore, this variant has been classified as Likely Pathogenic. Algorithms developed to predict the effect of sequence changes on RNA splicing suggest that this variant may disrupt the consensus splice site. Disruption of this splice site has been observed in individual(s) with clinical features of primary ciliary dyskinesia (Invitae). This variant is present in population databases (rs748345425, gnomAD 0.007%). This sequence change affects an acceptor splice site in intron 12 of the DRC1 gene. It is expected to disrupt RNA splicing. Variants that disrupt the donor or acceptor splice site typically lead to a loss of protein function (PMID: 16199547), and loss-of-function variants in DRC1 are known to be pathogenic (PMID: 23354437, 31960620).

Literature cited by the submitters: PubMed 16199547; PubMed 23354437; PubMed 31960620.

NM_145038.5(DRC1):c.1600-2A>G

Gene: DRC1 (dynein regulatory complex subunit 1; plus strand). Cytogenetic location: 2p23.3.
Variant type: single nucleotide variant.
Coding change: c.1600-2A>G on transcript NM_145038.5 (MANE Select); the canonical splice acceptor site of the intron before coding-DNA position 1600, A replaced by G.
Molecular consequence: splice acceptor variant.
Genome position (GRCh38, 1-based): chr2:26,450,590, A>G. VCF-style: chr2-26450590-A-G. GRCh37 (hg19) VCF-style: chr2-26673458-A-G.
Identifiers: ClinVar variation 2019128 (VCV002019128.4), dbSNP rs748345425, ClinGen allele CA1562340.